The following is an entry in ClinVar:

ClinVar aggregate classification (germline): Conflicting classifications of pathogenicity. Review status: criteria provided, conflicting classifications (1 of 4 stars). 3 submissions from 3 submitters: Uncertain significance (2); Benign (1). Last evaluated 2026-01-30.

Conditions:
Congenital contractural arachnodactyly (CCA). Also called: Arthrogryposis, distal, type 9; BEALS SYNDROME; Beals-Hecht syndrome. Identifiers: Orphanet 115, MedGen C0220668, MONDO:0007363, OMIM 121050.
Familial thoracic aortic aneurysm and aortic dissection (TAAD). Also called: Thoracic aortic aneurysms and dissections. Identifiers: Orphanet 91387, MedGen C4707243, MONDO:0019625.

Allele frequency attached by ClinVar (database versions not stated): gnomAD exomes 0.00001 and 0.00002; ExAC 0.00002; ESP Exome Variant Server 0.00008; gnomAD 0.00011; TOPMed 0.00012.

Submissions (3):

Labcorp Genetics (formerly Invitae), Labcorp
Classification: Benign for Congenital contractural arachnodactyly. Last evaluated: 2026-01-30. Review status: criteria provided, single submitter. Criteria: Invitae Variant Classification Sherloc (09022015). Collection method: clinical testing. Allele origin: germline.

GeneDx
Classification: Uncertain significance. Last evaluated: 2025-07-15. Review status: criteria provided, single submitter. Criteria: GeneDx Variant Classification Process June 2021. Collection method: clinical testing. Allele origin: germline. Affected: yes.
Comment: Has not been previously published as pathogenic or benign to our knowledge; In silico analysis supports that this missense variant has a deleterious effect on protein structure/function; Although located in a calcium-binding EGF-like domain of the FBN2 gene, it does not substitute or introduce a cysteine residue (PMID: 19006240, 18767143); This variant is associated with the following publications: (PMID: 19006240, 18767143)

Ambry Genetics
Classification: Uncertain significance for Familial thoracic aortic aneurysm and aortic dissection. Last evaluated: 2024-11-26. Review status: criteria provided, single submitter. Criteria: Ambry Variant Classification Scheme 2023. Collection method: clinical testing. Allele origin: germline.
Comment: The p.N551D variant (also known as c.1651A>G), located in coding exon 12 of the FBN2 gene, results from an A to G substitution at nucleotide position 1651. The asparagine at codon 551 is replaced by aspartic acid, an amino acid with highly similar properties. This amino acid position is highly conserved in available vertebrate species. In addition, the in silico prediction for this alteration is inconclusive. Since supporting evidence is limited at this time, the clinical significance of this alteration remains unclear.

NM_001999.4(FBN2):c.1651A>G (p.Asn551Asp)

Gene: FBN2 (fibrillin 2; minus strand). Cytogenetic location: 5q23.3.
Variant type: single nucleotide variant.
Coding change: c.1651A>G on transcript NM_001999.4 (MANE Select); coding-DNA position 1651, A replaced by G.
Protein change: p.Asn551Asp; replaces asparagine 551 with aspartic acid.
Molecular consequence: missense variant.
Genome position (GRCh38, 1-based): chr5:128,378,843, T>C on the plus strand (A>G on the coding strand, the complement: FBN2 is on the minus strand). VCF-style: chr5-128378843-T-C. GRCh37 (hg19) VCF-style: chr5-127714536-T-C.
Other names: short protein forms N551D.
Identifiers: ClinVar variation 393057 (VCV000393057.14), dbSNP rs138389072, ClinGen allele CA3395748.